The following is an entry in ClinVar:

ClinVar aggregate classification (germline): Uncertain significance. Review status: criteria provided, multiple submitters, no conflicts (2 of 4 stars). 2 submissions from 2 submitters: Uncertain significance (2). Last evaluated 2025-08-13.

Conditions:
Inborn genetic diseases. Identifiers: MedGen C0950123, MeSH D030342.

Allele frequency attached by ClinVar (database versions not stated): gnomAD exomes 0.00001.
gnomAD v4.1: 6 of 1,558,380 alleles (0.00039%); highest among the groups gnomAD compares: Admixed American, 0.0019%; no homozygotes.

Submissions (2):

Ambry Genetics
Classification: Uncertain significance for Inborn genetic diseases. Last evaluated: 2025-08-13. Review status: criteria provided, single submitter. Criteria: Ambry Variant Classification Scheme 2023. Collection method: clinical testing. Allele origin: germline.

Labcorp Genetics (formerly Invitae), Labcorp
Classification: Uncertain significance. Last evaluated: 2024-04-17. Review status: criteria provided, single submitter. Criteria: Invitae Variant Classification Sherloc (09022015). Collection method: clinical testing. Allele origin: germline.
Comment: This sequence change replaces glutamic acid, which is acidic and polar, with alanine, which is neutral and non-polar, at codon 1543 of the MPDZ protein (p.Glu1543Ala). This variant is not present in population databases (gnomAD no frequency). This variant has not been reported in the literature in individuals affected with MPDZ-related conditions. ClinVar contains an entry for this variant (Variation ID: 1485137). An algorithm developed to predict the effect of missense changes on protein structure and function (PolyPhen-2) suggests that this variant is likely to be disruptive. In summary, the available evidence is currently insufficient to determine the role of this variant in disease. Therefore, it has been classified as a Variant of Uncertain Significance.

NM_001378778.1(MPDZ):c.4628A>C (p.Glu1543Ala)

Gene: MPDZ (multiple PDZ domain crumbs cell polarity complex component; minus strand). Cytogenetic location: 9p23.
Variant type: single nucleotide variant.
Coding change: c.4628A>C on transcript NM_001378778.1 (MANE Select); coding-DNA position 4628, A replaced by C.
Protein change: p.Glu1543Ala; replaces glutamic acid 1543 with alanine.
Molecular consequence: missense variant.
Genome position (GRCh38, 1-based): chr9:13,126,520, T>G on the plus strand (A>C on the coding strand, the complement: MPDZ is on the minus strand). VCF-style: chr9-13126520-T-G. GRCh37 (hg19) VCF-style: chr9-13126519-T-G.
Other names: c.4418A>C, p.Glu1473Ala (NM_001375422.1, NM_001375423.1, NM_001375424.1 and 4 more transcripts); c.4220A>C, p.Glu1407Ala (NM_001375427.1); c.4628A>C, p.Glu1543Ala (NM_003829.5, NM_001330637.2); c.4628A>C (NM_003829.3); c.4529A>C, p.Glu1510Ala (NM_001261406.2, NM_001261407.2, NM_001375416.1 and 3 more transcripts); c.4727A>C, p.Glu1576Ala (NM_001375413.1); short protein forms E1543A, E1473A, E1407A, E1510A, E1576A.
Identifiers: ClinVar variation 1485137 (VCV001485137.6), dbSNP rs750567022, ClinGen allele CA4986630.